The following is an entry in ClinVar:

NM_015443.4(KANSL1):c.1774C>G (p.Arg592Gly)

Gene: KANSL1 (KAT8 regulatory NSL complex subunit 1). Cytogenetic location: 17q21.31.
Variant type: single nucleotide variant.
Coding change: c.1774C>G on transcript NM_015443.4 (MANE Select); coding-DNA position 1774, C replaced by G.
Protein change: p.Arg592Gly; replaces arginine 592 with glycine.
Molecular consequence: missense variant.
Genome position (GRCh38, 1-based): chr17:46,066,611, G>C on the plus strand (C>G on the coding strand, the complement: KANSL1 is on the minus strand). VCF-style: chr17-46066611-G-C. GRCh37 (hg19) VCF-style: chr17-44143977-G-C.
Other names: c.1774C>G, p.Arg592Gly (NM_001193465.2, NM_001193466.2, NM_001379198.1); short protein forms R592G.
Identifiers: ClinVar variation 429994 (VCV000429994.2), dbSNP rs774841964, ClinGen allele CA399986481.
Genomic context (GRCh38, chr17:46,066,611, plus strand): 5'-GAACGATGCTGTTGGGTCGAACAAGCCTCCGCTTCTTACAGCTCAGTACAGGACGTGTCC[G>C]GGCTGCCACACAGGTGCCATCAGATGATGAAGAGACGAGATTCAGTCGTTGCTTCTTATG-3'
Protein context (NP_056258.1, residues 582-602): SSSDGTCVAA[Arg592Gly]TRPVLSCKKR

ClinVar aggregate classification (germline): Uncertain significance (1 of 4 stars; one submission).

Submission:

GeneDx
Classification: Uncertain significance. Last evaluated: 2017-05-18. Review status: criteria provided, single submitter. Criteria: GeneDx Variant Classification (06012015). Collection method: clinical testing. Allele origin: germline. Affected: yes.
Comment: The R592G variant in the KANSL1 gene has not been reported previously as a pathogenic variant, nor as a benign variant, to our knowledge. The R592G variant is not observed in large population cohorts (Lek et al., 2016; 1000 Genomes Consortium et al., 2015; Exome Variant Server). The R592G variant is a non-conservative amino acid substitution, which is likely to impact secondary protein structure as these residues differ in polarity, charge, size and/or other properties. This substitution occurs at a position that is conserved across species, and in silico analysis predicts this variant is probably damaging to the protein structure/function. We interpret R592G as a variant of uncertain significance.